The following is an entry in ClinVar:

NM_024496.4(IRF2BPL):c.2236_2237del (p.Ser746fs)

Gene: IRF2BPL (interferon regulatory factor 2 binding protein like; minus strand). Cytogenetic location: 14q24.3.
Variant type: Microsatellite.
Coding change: c.2236_2237del on transcript NM_024496.4 (MANE Select); coding-DNA positions 2236 to 2237, 2 bases deleted (AG; older notation c.2236_2237delAG).
Protein change: p.Ser746fs; shifts the reading frame from serine 746.
Molecular consequence: frameshift variant.
Genome position (GRCh38, 1-based): chr14:77,025,556-77,025,557, CT deleted on the plus strand (AG on the coding strand, the reverse complement: IRF2BPL is on the minus strand); deleting any 2 consecutive bases within chr14:77,025,556-77,025,563 gives the same sequence; the c. name uses the placement nearest the transcript's 3' end. VCF-style (leftmost placement, unchanged base first): chr14-77025555-ACT-A. GRCh37 (hg19) VCF-style: chr14-77491898-ACT-A.
Other names: short protein forms S746fs.
Identifiers: ClinVar variation 872574 (VCV000872574.42), dbSNP rs1885086608, ClinGen allele CA1139663569.
Genomic context (GRCh38, chr14:77,025,555, plus strand): 5'-TAGGGGGCATTTCTCTCCGCTGGGGCAATACACCTCGCCGGTGGCCCCCTGGGCCTTGAT[ACT>A]CTCTCTAGAGCAAGGGAAGCAAAATTTGTGGCTGGGGACGGAAGGGCACTGAACGAAATG-3'

ClinVar aggregate classification (germline): Conflicting classifications of pathogenicity. Review status: criteria provided, conflicting classifications (1 of 4 stars). 2 submissions from 2 submitters: Likely pathogenic (1); Uncertain significance (1). Last evaluated 2026-01-01.

Conditions:
Neurodevelopmental disorder with regression, abnormal movements, loss of speech, and seizures. Identifiers: Orphanet 597623, MedGen C4748127, MONDO:0060759, OMIM 618088.

Submissions (2):

CeGaT Center for Human Genetics Tuebingen
Classification: Uncertain significance. Last evaluated: 2026-01-01. Review status: criteria provided, single submitter. Criteria: CeGaT Center For Human Genetics Tuebingen Variant Classification Criteria Version 2. Collection method: clinical testing. Allele origin: germline. Affected: yes. Observed: 1 variant allele.
Comment: IRF2BPL: PVS1:Moderate, PM2:Supporting

MVZ Martinsried, Medicover Genetics
Classification: Likely pathogenic for Neurodevelopmental disorder with regression, abnormal movements, loss of speech, and seizures. Last evaluated: 2025-04-25. Review status: criteria provided, single submitter. Criteria: ACGS Guidelines, 2020. Collection method: clinical testing. Allele origin: inherited. Affected: yes. Observed: 1 heterozygote.